The following is an entry in ClinVar:

ClinVar aggregate classification (germline): Uncertain significance (1 of 4 stars; one submission).

Submission:

Quest Diagnostics Nichols Institute San Juan Capistrano
Classification: Uncertain significance. Last evaluated: 2025-07-30. Review status: criteria provided, single submitter. Criteria: Quest Diagnostics criteria. Collection method: clinical testing. Allele origin: unknown.
Comment: The MSH3 c.1362A>G (p.Arg454=) synonymous variant has not been reported in individuals with MSH3-related conditions in the published literature. This variant also has not been reported in large, multi-ethnic general populations (Genome Aggregation Database). Analysis of this variant using software algorithms for the prediction of the effect of nucleotide changes on splicing yielded predictions that this variant does not affect MSH3 mRNA splicing. Based on the available information, we are unable to determine the clinical significance of this variant.

NM_002439.5(MSH3):c.1362A>G (p.Arg454=)

Gene: MSH3 (mutS homolog 3; plus strand). Cytogenetic location: 5q14.1.
Variant type: single nucleotide variant.
Coding change: c.1362A>G on transcript NM_002439.5 (MANE Select); coding-DNA position 1362, A replaced by G.
Protein change: p.Arg454=; no amino-acid change (arginine 454 retained).
Molecular consequence: synonymous variant.
Genome position (GRCh38, 1-based): chr5:80,725,474, A>G. VCF-style: chr5-80725474-A-G. GRCh37 (hg19) VCF-style: chr5-80021293-A-G.
Identifiers: ClinVar variation 4533043 (VCV004533043.1).